The following is an entry in ClinVar:

NM_005263.5(GFI1):c.133G>C (p.Gly45Arg)

Gene: GFI1 (growth factor independent 1 transcriptional repressor; minus strand). Cytogenetic location: 1p22.1.
Variant type: single nucleotide variant.
Coding change: c.133G>C on transcript NM_005263.5 (MANE Select); coding-DNA position 133, G replaced by C.
Protein change: p.Gly45Arg; replaces glycine 45 with arginine.
Molecular consequence: missense variant.
Genome position (GRCh38, 1-based): chr1:92,483,029, C>G on the plus strand (G>C on the coding strand, the complement: GFI1 is on the minus strand). VCF-style: chr1-92483029-C-G. GRCh37 (hg19) VCF-style: chr1-92948586-C-G.
Other names: c.133G>C, p.Gly45Arg (NM_001127215.3, NM_001127216.3); short protein forms G45R.
Identifiers: ClinVar variation 4671588 (VCV004671588.1).

ClinVar aggregate classification (germline): Uncertain significance (1 of 4 stars; one submission).

Submission:

Ambry Genetics
Classification: Uncertain significance. Last evaluated: 2025-10-29. Review status: criteria provided, single submitter. Criteria: Ambry Variant Classification Scheme 2023. Collection method: clinical testing. Allele origin: germline.
Comment: The p.G45R variant (also known as c.133G>C), located in coding exon 2 of the GFI1 gene, results from a G to C substitution at nucleotide position 133. The glycine at codon 45 is replaced by arginine, an amino acid with dissimilar properties. This amino acid position is conserved. In addition, this alteration is predicted to be tolerated by in silico analysis. Based on the available evidence, the clinical significance of this variant remains unclear.